The following is an entry in ClinVar:

NM_138773.4(SLC25A46):c.230C>T (p.Thr77Met)

Gene: SLC25A46 (solute carrier family 25 member 46; plus strand). Cytogenetic location: 5q22.1.
Variant type: single nucleotide variant.
Coding change: c.230C>T on transcript NM_138773.4 (MANE Select); coding-DNA position 230, C replaced by T.
Protein change: p.Thr77Met; replaces threonine 77 with methionine.
Molecular consequence: missense variant. On other transcripts: non-coding transcript variant (1), intron variant (1).
Genome position (GRCh38, 1-based): chr5:110,739,349, C>T. VCF-style: chr5-110739349-C-T. GRCh37 (hg19) VCF-style: chr5-110075050-C-T.
Other names: p.Thr77Met; c.230C>T, p.Thr77Met (NM_001303249.3); c.10+1102C>T (NM_001303250.3); short protein forms T77M.
Identifiers: ClinVar variation 859673 (VCV000859673.8), dbSNP rs968966762, ClinGen allele CA125342546.

ClinVar aggregate classification (germline): Uncertain significance. Review status: criteria provided, multiple submitters, no conflicts (2 of 4 stars). 3 submissions from 3 submitters: Uncertain significance (3). Last evaluated 2023-06-01.

Conditions:
Neuropathy, hereditary motor and sensory, type 6B (HMSN6B). Also called: HMSN VIB; CHARCOT-MARIE-TOOTH DISEASE, TYPE 6B; NEUROPATHY, HEREDITARY MOTOR AND SENSORY, TYPE VIB, WITH OPTIC ATROPHY; Neuropathy, hereditary motor and sensory, type VIB. Identifiers: MedGen C4225302, MONDO:0014671, OMIM 616505.
Inborn genetic diseases. Identifiers: MedGen C0950123, MeSH D030342.

Allele frequency attached by ClinVar (database versions not stated): TOPMed below 0.00001; gnomAD 0.00001; gnomAD exomes 0.00001.
gnomAD v4.1: 5 of 1,562,434 alleles (0.00032%); highest among the groups gnomAD compares: Non-Finnish European, 0.00043%; no homozygotes.

Submissions (3):

Ambry Genetics
Classification: Uncertain significance for Inborn genetic diseases. Last evaluated: 2023-06-01. Review status: criteria provided, single submitter. Criteria: Ambry Variant Classification Scheme 2023. Collection method: clinical testing. Allele origin: germline.

Mayo Clinic Laboratories, Mayo Clinic
Classification: Uncertain significance. Last evaluated: 2023-02-02. Review status: criteria provided, single submitter. Criteria: ACMG Guidelines, 2015. Collection method: clinical testing. Allele origin: germline. Observed: 1 variant allele.
Comment: BP4, PM2

Labcorp Genetics (formerly Invitae), Labcorp
Classification: Uncertain significance for Neuropathy, hereditary motor and sensory, type 6B. Last evaluated: 2022-07-10. Review status: criteria provided, single submitter. Criteria: Invitae Variant Classification Sherloc (09022015). Collection method: clinical testing. Allele origin: germline.
Comment: This sequence change replaces threonine, which is neutral and polar, with methionine, which is neutral and non-polar, at codon 77 of the SLC25A46 protein (p.Thr77Met). This variant is not present in population databases (gnomAD no frequency). This variant has not been reported in the literature in individuals affected with SLC25A46-related conditions. ClinVar contains an entry for this variant (Variation ID: 859673). Algorithms developed to predict the effect of missense changes on protein structure and function (SIFT, PolyPhen-2, Align-GVGD) all suggest that this variant is likely to be tolerated. In summary, the available evidence is currently insufficient to determine the role of this variant in disease. Therefore, it has been classified as a Variant of Uncertain Significance.